The following is an entry in ClinVar:

NM_020549.5(CHAT):c.311C>T (p.Pro104Leu)

Gene: CHAT (choline O-acetyltransferase; plus strand). Cytogenetic location: 10q11.23.
Variant type: single nucleotide variant.
Coding change: c.311C>T on transcript NM_020549.5 (MANE Select); coding-DNA position 311, C replaced by T.
Protein change: p.Pro104Leu; replaces proline 104 with leucine.
Molecular consequence: missense variant. On other transcripts: 5 prime UTR variant (5).
Genome position (GRCh38, 1-based): chr10:49,616,526, C>T. VCF-style: chr10-49616526-C-T. GRCh37 (hg19) VCF-style: chr10-50824572-C-T.
Other names: c.-44C>T (NM_001142929.2, NM_001142934.2, NM_020984.4 and 2 more transcripts); c.65C>T, p.Pro22Leu (NM_001142933.2); short protein forms P104L, P22L.
Identifiers: ClinVar variation 1478487 (VCV001478487.8), dbSNP rs2132701987, ClinGen allele CA376725972.

ClinVar aggregate classification (germline): Uncertain significance (1 of 4 stars; one submission).

Conditions:
Familial infantile myasthenia (CMS6). Also called: Congenital myasthenic syndrome type 6; MYASTHENIC SYNDROME, PRESYNAPTIC, CONGENITAL, ASSOCIATED WITH EPISODIC APNEA; MYASTHENIC SYNDROME, CONGENITAL, 6, PRESYNAPTIC. Identifiers: Orphanet 590, MedGen C0393929, MONDO:0009689, OMIM 254210.

Submission:

Labcorp Genetics (formerly Invitae), Labcorp
Classification: Uncertain significance for Familial infantile myasthenia. Last evaluated: 2021-01-31. Review status: criteria provided, single submitter. Criteria: Invitae Variant Classification Sherloc (09022015). Collection method: clinical testing. Allele origin: germline.
Comment: Advanced modeling of protein sequence and biophysical properties (such as structural, functional, and spatial information, amino acid conservation, physicochemical variation, residue mobility, and thermodynamic stability) performed at Invitae indicates that this missense variant is not expected to disrupt CHAT protein function. In summary, the available evidence is currently insufficient to determine the role of this variant in disease. Therefore, it has been classified as a Variant of Uncertain Significance. This variant has not been reported in the literature in individuals with CHAT-related conditions. This variant is not present in population databases (ExAC no frequency). This sequence change replaces proline with leucine at codon 104 of the CHAT protein (p.Pro104Leu). The proline residue is weakly conserved and there is a moderate physicochemical difference between proline and leucine.